The following is an entry in ClinVar:

ClinVar aggregate classification (germline): Uncertain significance. Review status: criteria provided, multiple submitters, no conflicts (2 of 4 stars). 5 submissions from 5 submitters: Uncertain significance (5). Last evaluated 2024-01-25.

Conditions:
Nephrotic syndrome, type 2 (NPHS2). Also called: NEPHROTIC SYNDROME, STEROID-RESISTANT, AUTOSOMAL RECESSIVE. Identifiers: Orphanet 656, MedGen C1868672, MONDO:0010974, OMIM 600995.

Allele frequency attached by ClinVar (database versions not stated): gnomAD 0.00001; ExAC 0.00002; gnomAD exomes 0.00002; TOPMed 0.00002; 1000 Genomes Project 30x 0.00016; 1000 Genomes Project 0.00020.
gnomAD v4.1: 25 of 1,613,372 alleles (0.0015%); highest among the groups gnomAD compares: East Asian, 0.02%; no homozygotes.

Submissions (5):

Fulgent Genetics
Classification: Uncertain significance for Nephrotic syndrome, type 2. Last evaluated: 2024-01-25. Review status: criteria provided, single submitter. Criteria: ACMG Guidelines, 2015. Collection method: clinical testing. Allele origin: germline.

Genome-Nilou Lab
Classification: Uncertain significance for Nephrotic syndrome, type 2. Last evaluated: 2023-04-11. Review status: criteria provided, single submitter. Criteria: ACMG Guidelines, 2015. Collection method: clinical testing. Allele origin: germline. Affected: no.

Labcorp Genetics (formerly Invitae), Labcorp
Classification: Uncertain significance. Last evaluated: 2022-10-05. Review status: criteria provided, single submitter. Criteria: Invitae Variant Classification Sherloc (09022015). Collection method: clinical testing. Allele origin: germline.
Comment: This sequence change replaces alanine, which is neutral and non-polar, with threonine, which is neutral and polar, at codon 242 of the NPHS2 protein (p.Ala242Thr). This variant is present in population databases (rs201355305, gnomAD 0.02%). This variant has not been reported in the literature in individuals affected with NPHS2-related conditions. ClinVar contains an entry for this variant (Variation ID: 289749). Advanced modeling of protein sequence and biophysical properties (such as structural, functional, and spatial information, amino acid conservation, physicochemical variation, residue mobility, and thermodynamic stability) performed at Invitae indicates that this missense variant is not expected to disrupt NPHS2 protein function. In summary, the available evidence is currently insufficient to determine the role of this variant in disease. Therefore, it has been classified as a Variant of Uncertain Significance.

Illumina Laboratory Services, Illumina
Classification: Uncertain significance for Nephrotic syndrome, type 2. Last evaluated: 2018-01-12. Review status: criteria provided, single submitter. Criteria: ICSL Variant Classification Criteria 13 December 2019. Collection method: clinical testing. Allele origin: germline.

Eurofins Ntd Llc (ga)
Classification: Uncertain significance. Last evaluated: 2016-07-22. Review status: criteria provided, single submitter. Criteria: EGL Classification Definitions 2015. Collection method: clinical testing. Allele origin: germline. Observed: 1 variant allele, 1 heterozygote.

NM_014625.4(NPHS2):c.724G>A (p.Ala242Thr)

Gene: NPHS2 (NPHS2 stomatin family member, podocin; minus strand). Cytogenetic location: 1q25.2.
Variant type: single nucleotide variant.
Coding change: c.724G>A on transcript NM_014625.4 (MANE Select); coding-DNA position 724, G replaced by A.
Protein change: p.Ala242Thr; replaces alanine 242 with threonine.
Molecular consequence: missense variant. On other transcripts: intron variant (1).
Genome position (GRCh38, 1-based): chr1:179,557,041, C>T on the plus strand (G>A on the coding strand, the complement: NPHS2 is on the minus strand). VCF-style: chr1-179557041-C-T. GRCh37 (hg19) VCF-style: chr1-179526176-C-T.
Other names: c.535-2510G>A (NM_001297575.2); short protein forms A242T.
Identifiers: ClinVar variation 289749 (VCV000289749.13), dbSNP rs201355305, ClinGen allele CA1267145.